The following is an entry in ClinVar:

ClinVar aggregate classification (germline): Uncertain significance (1 of 4 stars; one submission).

Conditions:
Hereditary cancer-predisposing syndrome. Also called: Neoplastic Syndromes, Hereditary; Tumor predisposition; Hereditary neoplastic syndrome; Hereditary Cancer Syndrome. Identifiers: Orphanet 140162, MedGen C0027672, MeSH D009386, MONDO:0015356.

Submission:

Ambry Genetics
Classification: Uncertain significance for Hereditary cancer-predisposing syndrome. Last evaluated: 2023-01-06. Review status: criteria provided, single submitter. Criteria: Ambry Variant Classification Scheme 2023. Collection method: clinical testing. Allele origin: germline.
Comment: The c.2888-5T>A intronic variant results from a T to A substitution 5 nucleotides upstream from coding exon 18 in the PTCH1 gene. This nucleotide position is not well conserved in available vertebrate species. In silico splice site analysis predicts that this alteration will not have any significant effect on splicing. Since supporting evidence is limited at this time, the clinical significance of this alteration remains unclear.

NM_000264.5(PTCH1):c.2888-5T>A

Gene: PTCH1 (patched 1; minus strand). Cytogenetic location: 9q22.32.
Variant type: single nucleotide variant.
Coding change: c.2888-5T>A on transcript NM_000264.5 (MANE Select); 5 bases into the intron before coding-DNA position 2888, T replaced by A.
Molecular consequence: intron variant.
Genome position (GRCh38, 1-based): chr9:95,458,298, A>T on the plus strand (T>A on the coding strand, the complement: PTCH1 is on the minus strand). VCF-style: chr9-95458298-A-T. GRCh37 (hg19) VCF-style: chr9-98220580-A-T.
Other names: c.2885-5T>A (NM_001083603.3); c.2690-5T>A (NM_001083602.3); c.2732-5T>A (NM_001354918.2); c.2435-5T>A (NM_001083605.3, NM_001083604.3, NM_001083606.3 and 1 more transcripts).
Identifiers: ClinVar variation 2449653 (VCV002449653.2), dbSNP rs1467057000, ClinGen allele CA2580080772.